The following is an entry in ClinVar:

NM_212482.4(FN1):c.6769G>C (p.Ala2257Pro)

Gene: FN1 (fibronectin 1; minus strand). Cytogenetic location: 2q35.
Variant type: single nucleotide variant.
Coding change: c.6769G>C on transcript NM_212482.4 (MANE Select); coding-DNA position 6769, G replaced by C.
Protein change: p.Ala2257Pro; replaces alanine 2257 with proline.
Molecular consequence: missense variant.
Genome position (GRCh38, 1-based): chr2:215,370,378, C>G on the plus strand (G>C on the coding strand, the complement: FN1 is on the minus strand). VCF-style: chr2-215370378-C-G. GRCh37 (hg19) VCF-style: chr2-216235101-C-G.
Other names: c.6676G>C, p.Ala2226Pro (NM_001306129.2); c.6139G>C, p.Ala2047Pro (NM_001306130.2); c.6133G>C, p.Ala2045Pro (NM_001306131.2); c.6058G>C, p.Ala2020Pro (NM_001306132.2); c.6499G>C, p.Ala2167Pro (NM_001365517.2); c.6496G>C, p.Ala2166Pro (NM_001365518.2); c.6424G>C, p.Ala2142Pro (NM_001365519.2); c.6421G>C, p.Ala2141Pro (NM_001365520.2); and 9 more; short protein forms A1956P, A2020P, A2045P, A2046P, A2047P, A2051P, A2076P, A2110P.
Identifiers: ClinVar variation 999976 (VCV000999976.8), dbSNP rs909823419, ClinGen allele CA64842432.

ClinVar aggregate classification (germline): Uncertain significance. Review status: criteria provided, multiple submitters, no conflicts (2 of 4 stars). 2 submissions from 2 submitters: Uncertain significance (2). Last evaluated 2025-08-26.

Conditions:
Inborn genetic diseases. Identifiers: MedGen C0950123, MeSH D030342.

Allele frequency attached by ClinVar (database versions not stated): gnomAD 0.00001; TOPMed 0.00002.
gnomAD v4.1: 3 of 1,613,662 alleles (0.00019%); highest among the groups gnomAD compares: African/African-American, 0.004%; no homozygotes.

Submissions (2):

Labcorp Genetics (formerly Invitae), Labcorp
Classification: Uncertain significance. Last evaluated: 2025-08-26. Review status: criteria provided, single submitter. Criteria: Invitae Variant Classification Sherloc (09022015). Collection method: clinical testing. Allele origin: germline.
Comment: This sequence change replaces alanine, which is neutral and non-polar, with proline, which is neutral and non-polar, at codon 2257 of the FN1 protein (p.Ala2257Pro). This variant is present in population databases (no rsID available, gnomAD 0.01%). This variant has not been reported in the literature in individuals affected with FN1-related conditions. ClinVar contains an entry for this variant (Variation ID: 999976). An algorithm developed to predict the effect of missense changes on protein structure and function (PolyPhen-2) suggests that this variant is likely to be disruptive. In summary, the available evidence is currently insufficient to determine the role of this variant in disease. Therefore, it has been classified as a Variant of Uncertain Significance.

Ambry Genetics
Classification: Uncertain significance for Inborn genetic diseases. Last evaluated: 2024-11-08. Review status: criteria provided, single submitter. Criteria: Ambry Variant Classification Scheme 2023. Collection method: clinical testing. Allele origin: germline.